The following is an entry in ClinVar:

NM_138386.3(NAF1):c.197C>T (p.Pro66Leu)

Gene: NAF1 (nuclear assembly factor 1 ribonucleoprotein; minus strand). Cytogenetic location: 4q32.2.
Variant type: single nucleotide variant.
Coding change: c.197C>T on transcript NM_138386.3 (MANE Select); coding-DNA position 197, C replaced by T.
Protein change: p.Pro66Leu; replaces proline 66 with leucine.
Molecular consequence: missense variant.
Genome position (GRCh38, 1-based): chr4:163,166,531, G>A on the plus strand (C>T on the coding strand, the complement: NAF1 is on the minus strand). VCF-style: chr4-163166531-G-A. GRCh37 (hg19) VCF-style: chr4-164087683-G-A.
Other names: c.197C>T, p.Pro66Leu (NM_001128931.2); short protein forms P66L.
Identifiers: ClinVar variation 2973797 (VCV002973797.3), dbSNP rs969088645, ClinGen allele CA110048915.

ClinVar aggregate classification (germline): Uncertain significance (1 of 4 stars; one submission).

Allele frequency attached by ClinVar (database versions not stated): gnomAD 0.00001; TOPMed 0.00002.
gnomAD v4.1: 26 of 1,594,756 alleles (0.0016%); highest among the groups gnomAD compares: Admixed American, 0.0035%; no homozygotes.

Submission:

Labcorp Genetics (formerly Invitae), Labcorp
Classification: Uncertain significance. Last evaluated: 2025-11-08. Review status: criteria provided, single submitter. Criteria: Invitae Variant Classification Sherloc (09022015). Collection method: clinical testing. Allele origin: germline.
Comment: This sequence change replaces proline, which is neutral and non-polar, with leucine, which is neutral and non-polar, at codon 66 of the NAF1 protein (p.Pro66Leu). This variant is present in population databases (no rsID available, gnomAD 0.003%). This variant has not been reported in the literature in individuals affected with NAF1-related conditions. ClinVar contains an entry for this variant (Variation ID: 2973797). An algorithm developed to predict the effect of missense changes on protein structure and function (PolyPhen-2) suggests that this variant is likely to be tolerated. In summary, the available evidence is currently insufficient to determine the role of this variant in disease. Therefore, it has been classified as a Variant of Uncertain Significance.